The following is an entry in ClinVar:

NM_172250.3(MMAA):c.509G>C (p.Arg170Thr)

Gene: MMAA (metabolism of cobalamin associated A; plus strand). Cytogenetic location: 4q31.21.
Variant type: single nucleotide variant.
Coding change: c.509G>C on transcript NM_172250.3 (MANE Select); coding-DNA position 509, G replaced by C.
Protein change: p.Arg170Thr; replaces arginine 170 with threonine.
Molecular consequence: missense variant.
Genome position (GRCh38, 1-based): chr4:145,642,432, G>C. VCF-style: chr4-145642432-G-C. GRCh37 (hg19) VCF-style: chr4-146563584-G-C.
Other names: c.509G>C (NM_172250.2); c.509G>C, p.Arg170Thr (NM_001375644.1); short protein forms R170T.
Identifiers: ClinVar variation 2171338 (VCV002171338.4), dbSNP rs1727813609, ClinGen allele CA358354996.
Genomic context (GRCh38, chr4:145,642,432, plus strand): 5'-GGCCCCCTGGTGCTGGAAAATCAACATTTATAGAATATTTTGGAAAAATGCTTACTGAGA[G>C]AGGGCACAAATTATCTGTGCTAGCTGTGGACCCTTCTTCTTGTACTAGTGGTGGTAAGTA-3'
Protein context (NP_758454.1, residues 160-180): IEYFGKMLTE[Arg170Thr]GHKLSVLAVD

ClinVar aggregate classification (germline): Uncertain significance. Review status: criteria provided, multiple submitters, no conflicts (2 of 4 stars). 4 submissions from 4 submitters: Uncertain significance (3). 1 of the submissions does not count toward it. Last evaluated 2024-03-22.

Conditions:
Inborn genetic diseases. Identifiers: MedGen C0950123, MeSH D030342.
Methylmalonic aciduria, cblA type (MACA). Also called: Methylmalonic aciduria, vitamin b12-responsive, due to defect in synthesis of adenosylcobalamin, cbla complementation type; MMA cbl A type; Methylmalonic acidemia cblA type; Methylmalonic aciduria, vitamin B12-responsive; Vitamin B12-responsive methylmalonic acidemia type cblA. Identifiers: Orphanet 28, Orphanet 79310, MedGen C1855109, MONDO:0009613, OMIM 251100.

Allele frequency attached by ClinVar (database versions not stated): gnomAD exomes below 0.00001; TOPMed below 0.00001.
gnomAD v4.1: 7 of 1,614,166 alleles (0.00043%); highest among the groups gnomAD compares: Non-Finnish European, 0.00059%; no homozygotes.

Submissions (4):

Fulgent Genetics
Classification: Uncertain significance for Methylmalonic aciduria, cblA type. Last evaluated: 2024-03-22. Review status: criteria provided, single submitter. Criteria: ACMG Guidelines, 2015. Collection method: clinical testing. Allele origin: germline.

Ambry Genetics
Classification: Uncertain significance for Inborn genetic diseases. Last evaluated: 2024-03-18. Review status: criteria provided, single submitter. Criteria: Ambry Variant Classification Scheme 2023. Collection method: clinical testing. Allele origin: germline.

Labcorp Genetics (formerly Invitae), Labcorp
Classification: Uncertain significance for Methylmalonic aciduria, cblA type. Last evaluated: 2022-02-09. Review status: criteria provided, single submitter. Criteria: Invitae Variant Classification Sherloc (09022015). Collection method: clinical testing. Allele origin: germline.
Comment: This sequence change replaces arginine, which is basic and polar, with threonine, which is neutral and polar, at codon 170 of the MMAA protein (p.Arg170Thr). This variant is not present in population databases (gnomAD no frequency). This variant has not been reported in the literature in individuals affected with MMAA-related conditions. Advanced modeling of protein sequence and biophysical properties (such as structural, functional, and spatial information, amino acid conservation, physicochemical variation, residue mobility, and thermodynamic stability) performed at Invitae indicates that this missense variant is not expected to disrupt MMAA protein function. In summary, the available evidence is currently insufficient to determine the role of this variant in disease. Therefore, it has been classified as a Variant of Uncertain Significance.

Natera, Inc.
Classification: Uncertain significance for Methylmalonic aciduria cblA type. Last evaluated: 2025-01-23. Review status: no assertion criteria provided. Collection method: clinical testing. Allele origin: germline. Not counted in ClinVar's aggregate classification.